The following is an entry in ClinVar:

ClinVar aggregate classification (germline): Pathogenic (1 of 4 stars; one submission).

Submission:

Labcorp Genetics (formerly Invitae), Labcorp
Classification: Pathogenic. Last evaluated: 2022-05-10. Review status: criteria provided, single submitter. Criteria: Invitae Variant Classification Sherloc (09022015). Collection method: clinical testing. Allele origin: germline.
Comment: This variant results in the deletion of part of exon 26 (c.3121_3122+2del) of the CACNA1F gene. It is expected to disrupt RNA splicing. Variants that disrupt the donor or acceptor splice site typically lead to a loss of protein function (PMID: 16199547), and loss-of-function variants in CACNA1F are known to be pathogenic (PMID: 9662399, 11281458, 17525176, 22194652, 24124559, 26992781). This variant is not present in population databases (gnomAD no frequency). This variant has been observed in individuals with congenital stationary night blindness and/or inherited retinal dystrophy (PMID: 25307992; Invitae). This variant is also known as c.3088_3089+2delAAGT. Algorithms developed to predict the effect of sequence changes on RNA splicing suggest that this variant may disrupt the consensus splice site. For these reasons, this variant has been classified as Pathogenic.

Literature cited by the submitters: PubMed 16199547; PubMed 9662399; PubMed 11281458; PubMed 17525176; PubMed 22194652; PubMed 24124559; PubMed 26992781; PubMed 25307992.

NM_001256789.3(CACNA1F):c.3088_3089+2del

Gene: CACNA1F (calcium voltage-gated channel subunit alpha1 F; minus strand). Cytogenetic location: Xp11.23.
Variant type: Deletion.
Coding change: c.3088_3089+2del on transcript NM_001256789.3 (MANE Select); coding-DNA position 3088 through the canonical splice donor site of the intron after coding-DNA position 3089, 4 bases deleted (AAGT; older notation c.3088_3089+2delAAGT).
Molecular consequence: splice donor variant.
Genome position (GRCh38, 1-based): chrX:49,217,753-49,217,756, ACTT deleted on the plus strand (AAGT on the coding strand, the reverse complement: CACNA1F is on the minus strand). VCF-style (leftmost placement, unchanged base first): chrX-49217752-CACTT-C. GRCh37 (hg19) VCF-style: chrX-49074211-CACTT-C.
Other names: c.3121_3122+2del (NM_005183.4); c.2926_2927+2del (NM_001256790.3).
Identifiers: ClinVar variation 2138575 (VCV002138575.4), dbSNP rs2520902687, ClinGen allele CA2580101090.